The following is an entry in ClinVar:

NM_024649.5(BBS1):c.877G>A (p.Val293Met)

Genes: BBS1 (Bardet-Biedl syndrome 1; plus strand), ZDHHC24 (zDHHC palmitoyltransferase 24; minus strand). Cytogenetic location: 11q13.2.
Variant type: single nucleotide variant.
Coding change: c.877G>A on transcript NM_024649.5 (MANE Select); coding-DNA position 877, G replaced by A.
Protein change: p.Val293Met; replaces valine 293 with methionine.
Molecular consequence: missense variant. On other transcripts: intron variant (1).
Genome position (GRCh38, 1-based): chr11:66,523,502, G>A. VCF-style: chr11-66523502-G-A. GRCh37 (hg19) VCF-style: chr11-66290973-G-A.
Other names: c.*22-2036C>T (NM_001348571.2); short protein forms V293M.
Identifiers: ClinVar variation 305463 (VCV000305463.20), dbSNP rs769422545, ClinGen allele CA6123540.

ClinVar aggregate classification (germline): Uncertain significance. Review status: criteria provided, multiple submitters, no conflicts (2 of 4 stars). 7 submissions from 7 submitters: Uncertain significance (6). 1 of the submissions does not count toward it. Last evaluated 2025-10-24.

Conditions:
BBS1-related disorder. Also called: BBS1-related condition.
Inborn genetic diseases. Identifiers: MedGen C0950123, MeSH D030342.
Bardet-Biedl syndrome 1 (BBS1). Identifiers: MedGen C2936862, MONDO:0008854, OMIM 209900. Disease mechanism: loss of function.
Bardet-Biedl syndrome (BBS). Identifiers: Orphanet 110, MedGen C0752166, MONDO:0015229.

Allele frequency attached by ClinVar (database versions not stated): TOPMed 0.00001; gnomAD 0.00002; gnomAD exomes 0.00002 and 0.00003; ExAC 0.00002.
gnomAD v4.1: 52 of 1,614,128 alleles (0.0032%); highest among the groups gnomAD compares: Non-Finnish European, 0.0042%; no homozygotes.

Submissions (7):

Ambry Genetics
Classification: Uncertain significance for Inborn genetic diseases. Last evaluated: 2025-10-24. Review status: criteria provided, single submitter. Criteria: Ambry Variant Classification Scheme 2023. Collection method: clinical testing. Allele origin: germline.

PreventionGenetics, part of Exact Sciences
Classification: Uncertain significance for BBS1-related condition. Last evaluated: 2024-10-25. Review status: criteria provided, single submitter. Criteria: ACMG Guidelines, 2015. Collection method: clinical testing. Allele origin: germline.
Comment: The BBS1 c.877G>A variant is predicted to result in the amino acid substitution p.Val293Met. To our knowledge, this variant has not been reported in association with Bardet-Biedl syndrome in the literature. This variant is reported in 0.0053% of alleles in individuals of European (Non-Finnish) descent in gnomAD. At this time, the clinical significance of this variant is uncertain due to the absence of conclusive functional and genetic evidence.

Fulgent Genetics
Classification: Uncertain significance for Bardet-Biedl syndrome 1. Last evaluated: 2024-03-21. Review status: criteria provided, single submitter. Criteria: ACMG Guidelines, 2015. Collection method: clinical testing. Allele origin: germline.

GeneDx
Classification: Uncertain significance. Last evaluated: 2023-12-04. Review status: criteria provided, single submitter. Criteria: GeneDx Variant Classification Process June 2021. Collection method: clinical testing. Allele origin: germline. Affected: yes.
Comment: In silico analysis supports that this missense variant does not alter protein structure/function; Has not been previously published as pathogenic or benign to our knowledge

Blueprint Genetics
Classification: Uncertain significance. Last evaluated: 2023-11-13. Review status: criteria provided, single submitter. Criteria: ACMG Guidelines, 2015. Collection method: clinical testing. Allele origin: germline.

Labcorp Genetics (formerly Invitae), Labcorp
Classification: Uncertain significance for Bardet-Biedl syndrome. Last evaluated: 2021-09-01. Review status: criteria provided, single submitter. Criteria: Invitae Variant Classification Sherloc (09022015). Collection method: clinical testing. Allele origin: germline.
Comment: This sequence change replaces valine with methionine at codon 293 of the BBS1 protein (p.Val293Met). The valine residue is moderately conserved and there is a small physicochemical difference between valine and methionine. This variant is present in population databases (rs769422545, ExAC 0.004%). This variant has not been reported in the literature in individuals affected with BBS1-related conditions. ClinVar contains an entry for this variant (Variation ID: 305463). Algorithms developed to predict the effect of missense changes on protein structure and function are either unavailable or do not agree on the potential impact of this missense change (SIFT: "Tolerated"; PolyPhen-2: "Probably Damaging"; Align-GVGD: "Class C0"). In summary, the available evidence is currently insufficient to determine the role of this variant in disease. Therefore, it has been classified as a Variant of Uncertain Significance.

Natera, Inc.
Classification: Uncertain significance for Bardet-Biedl syndrome type 1. Last evaluated: 2019-10-28. Review status: no assertion criteria provided. Collection method: clinical testing. Allele origin: germline. Not counted in ClinVar's aggregate classification.